The following is an entry in ClinVar:

ClinVar aggregate classification (germline): Conflicting classifications of pathogenicity. Review status: criteria provided, conflicting classifications (1 of 4 stars). 5 submissions from 5 submitters: Uncertain significance (1); Likely benign (3). 1 of the submissions does not count toward it. Last evaluated 2023-02-23.

Conditions:
HPS1-related disorder. Also called: HPS1-related condition.
Inborn genetic diseases. Identifiers: MedGen C0950123, MeSH D030342.

Allele frequency attached by ClinVar (database versions not stated): gnomAD exomes 0.00013 and 0.00039; ExAC 0.00128; gnomAD 0.00147 and 0.00155; TOPMed 0.00159; 1000 Genomes Project 0.00260; 1000 Genomes Project 30x 0.00265.
gnomAD v4.1: 411 of 1,553,084 alleles (0.026%); highest among the groups gnomAD compares: African/African-American, 0.5%; 1 homozygote.

Submissions (5):

Women's Health and Genetics/Laboratory Corporation of America, LabCorp
Classification: Likely benign. Last evaluated: 2023-02-23. Review status: criteria provided, single submitter. Criteria: LabCorp Variant Classification Summary - May 2015. Collection method: clinical testing. Allele origin: germline.
Comment: Variant summary: HPS1 c.680G>T (p.Ser227Ile) results in a non-conservative amino acid change located in the FUZ/MON1/HPS1, second Longin domain (IPR043971) of the encoded protein sequence. Four of five in-silico tools predict a damaging effect of the variant on protein function. The variant allele was found at a frequency of 0.00039 in 157900 control chromosomes, predominantly at a frequency of 0.0059 within the African or African-American subpopulation in the gnomAD database. The observed variant frequency within African or African-American control individuals in the gnomAD database is approximately 6-fold of the estimated maximal expected allele frequency for a pathogenic variant in HPS1 causing Hermansky-Pudlak Syndrome phenotype (0.00096), strongly suggesting that the variant is a benign polymorphism found primarily in populations of African or African-American origin. To our knowledge, no occurrence of c.680G>T in individuals affected with Hermansky-Pudlak Syndrome and no experimental evidence demonstrating its impact on protein function have been reported. One clinical diagnostic laboratory has submitted clinical-significance assessments for this variant to ClinVar after 2014 and classified the variant as likely benign. Based on the evidence outlined above, the variant was classified as likely benign.

Ambry Genetics
Classification: Uncertain significance for Inborn genetic diseases. Last evaluated: 2021-10-27. Review status: criteria provided, single submitter. Criteria: Ambry Variant Classification Scheme 2023. Collection method: clinical testing. Allele origin: germline.

Labcorp Genetics (formerly Invitae), Labcorp
Classification: Likely benign. Last evaluated: 2019-12-31. Review status: criteria provided, single submitter. Criteria: Invitae Variant Classification Sherloc (09022015). Collection method: clinical testing. Allele origin: germline.

Breakthrough Genomics
Classification: Likely benign. Review status: criteria provided, single submitter. Criteria: ACMG Guidelines, 2015. Collection method: not provided. Allele origin: germline. Inheritance: Autosomal recessive inheritance. Affected: yes.

PreventionGenetics, part of Exact Sciences
Classification: Likely benign for HPS1-related condition. Last evaluated: 2020-01-09. Review status: no assertion criteria provided. Collection method: clinical testing. Allele origin: germline. Not counted in ClinVar's aggregate classification.
Comment: This variant is classified as likely benign based on ACMG/AMP sequence variant interpretation guidelines (Richards et al. 2015 PMID: 25741868, with internal and published modifications).

NM_000195.5(HPS1):c.680G>T (p.Ser227Ile)

Gene: HPS1 (HPS1 biogenesis of lysosomal organelles complex 3 subunit 1; minus strand). Cytogenetic location: 10q24.2.
Variant type: single nucleotide variant.
Coding change: c.680G>T on transcript NM_000195.5 (MANE Select); coding-DNA position 680, G replaced by T.
Protein change: p.Ser227Ile; replaces serine 227 with isoleucine.
Molecular consequence: missense variant. On other transcripts: 5 prime UTR variant (3).
Genome position (GRCh38, 1-based): chr10:98,430,659, C>A on the plus strand (G>T on the coding strand, the complement: HPS1 is on the minus strand). VCF-style: chr10-98430659-C-A. GRCh37 (hg19) VCF-style: chr10-100190416-C-A.
Other names: c.-194G>T (NM_001311345.2, NM_001322489.2); c.680G>T, p.Ser227Ile (NM_001322476.2, NM_001322477.2, NM_001322478.2 and 3 more transcripts); c.419G>T, p.Ser140Ile (NM_001322480.2, NM_001322481.2, NM_001322482.2); c.311G>T, p.Ser104Ile (NM_001322483.2, NM_001322484.2, NM_001322485.2); c.-293G>T (NM_001322487.2); c.562G>T, p.Ala188Ser (NM_001322490.2, NM_001322492.2); c.680G>T (NM_000195.3); short protein forms A188S, S104I, S227I, S140I.
Identifiers: ClinVar variation 716162 (VCV000716162.9), dbSNP rs548033666, ClinGen allele CA5639320.
Genomic context (GRCh38, chr10:98,430,659, plus strand): 5'-CTGGGGTAGAGGTCCTGAACCAGGAGGATGAGGGCAAGCAGGTCGGCCGGGCGCAGGGAG[C>A]TGGCACTGTGGCTGCAGACACAGGAGCATGGCCACCCATCAGCACATGCCCAGCAGGAGA-3'
Protein context (NP_000186.2, residues 217-237): LLAFYSSHSA[Ser227Ile]SLRPADLLAL